The following is an entry in ClinVar:

NM_000313.4(PROS1):c.665G>T (p.Gly222Val)

Gene: PROS1 (protein S; minus strand). Cytogenetic location: 3q11.1.
Variant type: single nucleotide variant.
Coding change: c.665G>T on transcript NM_000313.4 (MANE Select); coding-DNA position 665, G replaced by T.
Protein change: p.Gly222Val; replaces glycine 222 with valine.
Molecular consequence: missense variant.
Genome position (GRCh38, 1-based): chr3:93,900,866, C>A on the plus strand (G>T on the coding strand, the complement: PROS1 is on the minus strand). VCF-style: chr3-93900866-C-A. GRCh37 (hg19) VCF-style: chr3-93619710-C-A.
Other names: c.761G>T, p.Gly254Val (NM_001314077.2); short protein forms G222V, G254V.
Identifiers: ClinVar variation 4529459 (VCV004529459.1).

ClinVar aggregate classification (germline): Uncertain significance (0 of 4 stars; one submission).

Conditions:
Thrombophilia due to protein S deficiency, autosomal dominant (THPH5). Identifiers: Orphanet 26349, Orphanet 743, MedGen C3278211, MONDO:0012868, OMIM 612336. Disease mechanism: loss of function.

Submission:

Department of Transfusion Medicine and Hemostaseology, University Hospital Erlangen
Classification: Uncertain significance for Thrombophilia due to protein S deficiency, autosomal dominant. Last evaluated: 2025-09-01. Review status: no assertion criteria provided. Collection method: clinical testing. Allele origin: germline.
Comment: This variant was identified during a screening of patients with suspected hereditary Protein S deficiency. Currently, no literature is available describing this variant and it is not listed in any public population database. Several in silico variant effect prediction tools (PolyPhen-2, SIFT, AlphaMissense) classify this variant as likely pathogenic. Taken together we classified this variant as of uncertain significance.